The following is an entry in ClinVar:

ClinVar aggregate classification (germline): Uncertain significance. Review status: criteria provided, single submitter (1 of 4 stars). 2 submissions from 2 submitters: Uncertain significance (1). 1 of the submissions does not count toward it. Last evaluated 2021-05-01.

Conditions:
TUB-related disorder. Also called: TUB-related condition.

Allele frequency attached by ClinVar (database versions not stated): gnomAD exomes below 0.00001.
gnomAD v4.1: 1 of 1,614,170 alleles (0.000062%); highest among the groups gnomAD compares: Non-Finnish European, 0.000085%; no homozygotes.

Submissions (2):

Labcorp Genetics (formerly Invitae), Labcorp
Classification: Uncertain significance. Last evaluated: 2021-05-01. Review status: criteria provided, single submitter. Criteria: Invitae Variant Classification Sherloc (09022015). Collection method: clinical testing. Allele origin: germline.
Comment: Algorithms developed to predict the effect of missense changes on protein structure and function are either unavailable or do not agree on the potential impact of this missense change (SIFT: "Deleterious"; PolyPhen-2: "Probably Damaging"; Align-GVGD: "Class C0"). This sequence change replaces serine with arginine at codon 279 of the TUB protein (p.Ser279Arg). The serine residue is highly conserved and there is a moderate physicochemical difference between serine and arginine. This variant is not present in population databases (ExAC no frequency). This variant has not been reported in the literature in individuals with TUB-related conditions. In summary, the available evidence is currently insufficient to determine the role of this variant in disease. Therefore, it has been classified as a Variant of Uncertain Significance.

PreventionGenetics, part of Exact Sciences
Classification: Uncertain significance for TUB-related condition. Last evaluated: 2024-05-05. Review status: no assertion criteria provided. Collection method: clinical testing. Allele origin: germline. Not counted in ClinVar's aggregate classification.
Comment: The TUB c.837C>G variant is predicted to result in the amino acid substitution p.Ser279Arg. To our knowledge, this variant has not been reported in the literature or in a large population database, indicating this variant is rare. At this time, the clinical significance of this variant is uncertain due to the absence of conclusive functional and genetic evidence.

NM_177972.3(TUB):c.672C>G (p.Ser224Arg)

Genes: RIC3 (RIC3 acetylcholine receptor chaperone; minus strand), TUB (TUB bipartite transcription factor; plus strand). Cytogenetic location: 11p15.4.
Variant type: single nucleotide variant.
Coding change: c.672C>G on transcript NM_177972.3 (MANE Select); coding-DNA position 672, C replaced by G.
Protein change: p.Ser224Arg; replaces serine 224 with arginine.
Molecular consequence: missense variant.
Genome position (GRCh38, 1-based): chr11:8,096,791, C>G. VCF-style: chr11-8096791-C-G. GRCh37 (hg19) VCF-style: chr11-8118338-C-G.
Other names: c.837C>G, p.Ser279Arg (NM_003320.5); c.837C>G (NM_003320.4); short protein forms S224R, S279R.
Identifiers: ClinVar variation 1350431 (VCV001350431.9), dbSNP rs2133873120, ClinGen allele CA379568173.